The following is an entry in ClinVar:

ClinVar aggregate classification (germline): Likely benign (1 of 4 stars; one submission).

Allele frequency attached by ClinVar (database versions not stated): gnomAD exomes 0.00001; TOPMed 0.00001; gnomAD 0.00003; ExAC 0.00005; 1000 Genomes Project 30x 0.00016; 1000 Genomes Project 0.00020.
gnomAD v4.1: 16 of 1,551,744 alleles (0.001%); highest among the groups gnomAD compares: Admixed American, 0.0039%; no homozygotes.

Submission:

GeneDx
Classification: Likely benign. Last evaluated: 2017-07-20. Review status: criteria provided, single submitter. Criteria: GeneDx Variant Classification (06012015). Collection method: clinical testing. Allele origin: germline. Affected: yes.
Comment: This variant is considered likely benign or benign based on one or more of the following criteria: it is a conservative change, it occurs at a poorly conserved position in the protein, it is predicted to be benign by multiple in silico algorithms, and/or has population frequency not consistent with disease.

NM_001130987.2(DYSF):c.4470A>C (p.Ala1490=)

Gene: DYSF (dysferlin; plus strand). Cytogenetic location: 2p13.2.
Variant type: single nucleotide variant.
Coding change: c.4470A>C on transcript NM_001130987.2 (MANE Select); coding-DNA position 4470, A replaced by C.
Protein change: p.Ala1490=; no amino-acid change (alanine 1490 retained).
Molecular consequence: synonymous variant. On other transcripts: intron variant (8).
Genome position (GRCh38, 1-based): chr2:71,620,552, A>C. VCF-style: chr2-71620552-A-C. GRCh37 (hg19) VCF-style: chr2-71847682-A-C.
Other names: c.4374A>C, p.Ala1458= (NM_001130977.2); c.4416A>C, p.Ala1472= (NM_001130978.2); c.4467A>C, p.Ala1489= (NM_001130981.2); c.4419A>C, p.Ala1473= (NM_001130983.2); c.4377A>C, p.Ala1459= (NM_001130984.2); c.4503+7142A>C (NM_001130979.2); c.4461+7142A>C (NM_001130980.2); c.4410+7142A>C (NM_003494.4); and 5 more.
Identifiers: ClinVar variation 510963 (VCV000510963.1), dbSNP rs546061624, ClinGen allele CA1707023.